The following is an entry in ClinVar:

NM_001369369.1(FOXN1):c.1706C>A (p.Ser569Tyr)

Gene: FOXN1 (forkhead box N1; plus strand). Cytogenetic location: 17q11.2.
Variant type: single nucleotide variant.
Coding change: c.1706C>A on transcript NM_001369369.1 (MANE Select); coding-DNA position 1706, C replaced by A.
Protein change: p.Ser569Tyr; replaces serine 569 with tyrosine.
Molecular consequence: missense variant.
Genome position (GRCh38, 1-based): chr17:28,537,195, C>A. VCF-style: chr17-28537195-C-A. GRCh37 (hg19) VCF-style: chr17-26864213-C-A.
Other names: NM_001369369.1(FOXN1):c.1706C>A; p.Ser569Tyr; c.1706C>A, p.Ser569Tyr (NM_003593.3); short protein forms S569Y.
Identifiers: ClinVar variation 322435 (VCV000322435.16), dbSNP rs149225004, ClinGen allele CA8459606.

ClinVar aggregate classification (germline): Likely benign. Review status: reviewed by expert panel (3 of 4 stars). 4 submissions from 4 submitters: Likely benign (1). 3 of the submissions do not count toward it. Last evaluated 2024-07-29.

Conditions:
T-cell lymphopenia, infantile, with or without nail dystrophy, autosomal dominant. Identifiers: Orphanet 676039, MedGen C5394133, MONDO:0032928, OMIM 618806.
T-cell immunodeficiency, congenital alopecia, and nail dystrophy. Also called: Congenital alopecia and nail dystrophy associated with severe functional T-cell immunodeficiency; Pignata Guarino syndrome. Identifiers: Orphanet 169095, MedGen C1866426, MONDO:0011132, OMIM 601705.

Allele frequency attached by ClinVar (database versions not stated): gnomAD 0.00003 and 0.00004; TOPMed 0.00003; ESP Exome Variant Server 0.00008; ExAC 0.00010; gnomAD exomes 0.00011.
gnomAD v4.1: 65 of 1,613,848 alleles (0.004%); highest among the groups gnomAD compares: Non-Finnish European, 0.00085%; no homozygotes.

Submissions (4):

ClinGen Severe Combined Immunodeficiency Variant Curation Expert Panel, ClinGen
Classification: Likely benign for T-cell immunodeficiency, congenital alopecia, and nail dystrophy. Last evaluated: 2024-07-29. Review status: reviewed by expert panel. Criteria: ClinGen SCID ACMG Specifications FOXN1 V1.0.0. Collection method: curation. Allele origin: germline. Inheritance: Semidominant inheritance.
Comment: The missense variant NM_001369369.1(FOXN1):c.1706C>A (p.Ser569Tyr) has a gnomADv2.1.1 minor allele frequency in the Ashkenazi Jewish population of 0.002526 (26/10294 alleles) which meets the BS1 threshold of >0.00141. This variant has a REVEL score of 0.41, below the PP3 threshold of ≥0.644 but above the the BP4 threshold of <0.290. After a comprehensive literature search, the variant has not been identified in any individuals with T-cell immunodeficiency, congenital alopecia, and nail dystrophy. In summary, this variant does meets criteria to be classified as likely benign for semidominant T-cell immunodeficiency, congenital alopecia, and nail dystrophy based on the ACMG/AMP criteria, as specified by the ClinGen SCID VCEP: BS1.

Labcorp Genetics (formerly Invitae), Labcorp
Classification: Likely benign for T-cell immunodeficiency, congenital alopecia, and nail dystrophy. Last evaluated: 2026-01-28. Review status: criteria provided, single submitter. Criteria: Invitae Variant Classification Sherloc (09022015). Collection method: clinical testing. Allele origin: germline. Not counted in ClinVar's aggregate classification.

New York Genome Center
Classification: Uncertain significance for T-cell immunodeficiency, congenital alopecia, and nail dystrophy; T-cell lymphopenia, infantile, with or without nail dystrophy, autosomal dominant. Last evaluated: 2021-03-27. Review status: criteria provided, single submitter. Criteria: NYGC Assertion Criteria 2020. Collection method: clinical testing. Allele origin: inherited. Observed: 1 heterozygote. Study: CSER-NYCKidSeq. Not counted in ClinVar's aggregate classification.

Illumina Laboratory Services, Illumina
Classification: Uncertain significance for T-cell immunodeficiency, congenital alopecia, and nail dystrophy. Last evaluated: 2018-01-13. Review status: criteria provided, single submitter. Criteria: ICSL Variant Classification Criteria 13 December 2019. Collection method: clinical testing. Allele origin: germline. Not counted in ClinVar's aggregate classification.